The following is an entry in ClinVar:

ClinVar aggregate classification (germline): Uncertain significance. Review status: criteria provided, multiple submitters, no conflicts (2 of 4 stars). 2 submissions from 2 submitters: Uncertain significance (2). Last evaluated 2024-12-17.

Conditions:
Intellectual developmental disorder, X-linked, syndromic, Raymond type. Also called: Syndromic X-linked intellectual disability Raymond type. Identifiers: MedGen C3275406, MONDO:0010427, OMIM 300799.

Allele frequency attached by ClinVar (database versions not stated): gnomAD exomes below 0.00001.
gnomAD v4.1: 2 of 1,211,215 alleles (0.00017%); highest among the groups gnomAD compares: Admixed American, 0.0044%; no homozygotes.

Submissions (2):

Labcorp Genetics (formerly Invitae), Labcorp
Classification: Uncertain significance for Intellectual developmental disorder, X-linked, syndromic, Raymond type. Last evaluated: 2024-12-17. Review status: criteria provided, single submitter. Criteria: Invitae Variant Classification Sherloc (09022015). Collection method: clinical testing. Allele origin: germline.
Comment: This sequence change replaces leucine, which is neutral and non-polar, with methionine, which is neutral and non-polar, at codon 138 of the ZDHHC9 protein (p.Leu138Met). This variant is not present in population databases (gnomAD no frequency). This variant has not been reported in the literature in individuals affected with ZDHHC9-related conditions. ClinVar contains an entry for this variant (Variation ID: 1677419). Invitae Evidence Modeling of protein sequence and biophysical properties (such as structural, functional, and spatial information, amino acid conservation, physicochemical variation, residue mobility, and thermodynamic stability) indicates that this missense variant is not expected to disrupt ZDHHC9 protein function with a negative predictive value of 80%. In summary, the available evidence is currently insufficient to determine the role of this variant in disease. Therefore, it has been classified as a Variant of Uncertain Significance.

AiLife Diagnostics
Classification: Uncertain significance. Last evaluated: 2021-08-06. Review status: criteria provided, single submitter. Criteria: ACMG Guidelines, 2015. Collection method: clinical testing. Allele origin: germline. Affected: yes. Observed: 1 variant allele.

NM_016032.4(ZDHHC9):c.412C>A (p.Leu138Met)

Gene: ZDHHC9 (zDHHC palmitoyltransferase 9; minus strand). Cytogenetic location: Xq26.1.
Variant type: single nucleotide variant.
Coding change: c.412C>A on transcript NM_016032.4 (MANE Select); coding-DNA position 412, C replaced by A.
Protein change: p.Leu138Met; replaces leucine 138 with methionine.
Molecular consequence: missense variant.
Genome position (GRCh38, 1-based): chrX:129,823,754, G>T on the plus strand (C>A on the coding strand, the complement: ZDHHC9 is on the minus strand). VCF-style: chrX-129823754-G-T. GRCh37 (hg19) VCF-style: chrX-128957730-G-T.
Other names: c.412C>A, p.Leu138Met (NM_001008222.3); short protein forms L138M.
Identifiers: ClinVar variation 1677419 (VCV001677419.4), dbSNP rs142944444, ClinGen allele CA414590543.
Genomic context (GRCh38, chrX:129,823,754, plus strand): 5'-AGATGCTGCAATGGGAGGCCCGGGGAGGCCGGAAGATCTTGCATGTGTAACAGTATTTCA[G>T]TTTCACAATCTGGTTGTTTATCTGGAAATTCTTGATACGAGGCGGTGGTCGCTGGCCCTG-3'
Protein context (NP_057116.2, residues 128-148): NFQINNQIVK[Leu138Met]KYCYTCKIFR